The following is an entry in ClinVar:

NM_203446.3(SYNJ1):c.1646G>A (p.Arg549His)

Gene: SYNJ1 (synaptojanin 1; minus strand). Cytogenetic location: 21q22.11.
Variant type: single nucleotide variant.
Coding change: c.1646G>A on transcript NM_203446.3 (MANE Select); coding-DNA position 1646, G replaced by A.
Protein change: p.Arg549His; replaces arginine 549 with histidine.
Molecular consequence: missense variant.
Genome position (GRCh38, 1-based): chr21:32,673,420, C>T on the plus strand (G>A on the coding strand, the complement: SYNJ1 is on the minus strand). VCF-style: chr21-32673420-C-T. GRCh37 (hg19) VCF-style: chr21-34045730-C-T.
Other names: c.1646G>A, p.Arg549His (NM_001160302.2); c.1631G>A, p.Arg544His (NM_001160306.2); c.1763G>A, p.Arg588His (NM_003895.4); short protein forms R549H, R588H, R544H.
Identifiers: ClinVar variation 1516243 (VCV001516243.6), dbSNP rs1363168296, ClinGen allele CA410084982.
Genomic context (GRCh38, chr21:32,673,420, plus strand): 5'-GCTAACTTGGGTGCATCAAGAAGCCAGTCAGTGAGTGTCTGATTCTTAAAAGCTATGCTG[C>T]GAAATTGCTTCCCACCATTCACATTCCAGGTTCCGACACATACTCGAATTTTCTTAGGCT-3'
Protein context (NP_982271.3, residues 539-559): TWNVNGGKQF[Arg549His]SIAFKNQTLT

ClinVar aggregate classification (germline): Uncertain significance. Review status: criteria provided, multiple submitters, no conflicts (2 of 4 stars). 2 submissions from 2 submitters: Uncertain significance (2). Last evaluated 2024-02-21.

Conditions:
Developmental and epileptic encephalopathy, 53. Also called: Epileptic encephalopathy, early infantile, 53. Identifiers: MedGen C4479313, MONDO:0033362, OMIM 617389.
Early-onset Parkinson disease 20. Also called: PARKINSON DISEASE 20, AUTOSOMAL RECESSIVE EARLY-ONSET. Identifiers: Orphanet 391411, MedGen C3809824, MONDO:0014233, OMIM 615530.

Allele frequency attached by ClinVar (database versions not stated): gnomAD exomes below 0.00001 and 0.00001; TOPMed below 0.00001.
gnomAD v4.1: 8 of 1,613,888 alleles (0.0005%); highest among the groups gnomAD compares: Admixed American, 0.0017%; no homozygotes.

Submissions (2):

Baylor Genetics
Classification: Uncertain significance for Early-onset Parkinson disease 20. Last evaluated: 2024-02-21. Review status: criteria provided, single submitter. Criteria: ACMG Guidelines, 2015. Collection method: clinical testing. Allele origin: unknown.

Labcorp Genetics (formerly Invitae), Labcorp
Classification: Uncertain significance for Developmental and epileptic encephalopathy, 53; Early-onset Parkinson disease 20. Last evaluated: 2023-04-14. Review status: criteria provided, single submitter. Criteria: Invitae Variant Classification Sherloc (09022015). Collection method: clinical testing. Allele origin: germline.
Comment: In summary, the available evidence is currently insufficient to determine the role of this variant in disease. Therefore, it has been classified as a Variant of Uncertain Significance. Advanced modeling of protein sequence and biophysical properties (such as structural, functional, and spatial information, amino acid conservation, physicochemical variation, residue mobility, and thermodynamic stability) performed at Invitae indicates that this missense variant is not expected to disrupt SYNJ1 protein function. ClinVar contains an entry for this variant (Variation ID: 1516243). This variant has not been reported in the literature in individuals affected with SYNJ1-related conditions. The frequency data for this variant in the population databases is considered unreliable, as metrics indicate poor data quality at this position in the gnomAD database. This sequence change replaces arginine, which is basic and polar, with histidine, which is basic and polar, at codon 588 of the SYNJ1 protein (p.Arg588His).